The following is an entry in ClinVar:

NM_004260.4(RECQL4):c.566G>A (p.Gly189Asp)

Gene: RECQL4 (RecQ like helicase 4; minus strand). Cytogenetic location: 8q24.3.
Variant type: single nucleotide variant.
Coding change: c.566G>A on transcript NM_004260.4 (MANE Select); coding-DNA position 566, G replaced by A.
Protein change: p.Gly189Asp; replaces glycine 189 with aspartic acid.
Molecular consequence: missense variant.
Genome position (GRCh38, 1-based): chr8:144,516,553, C>T on the plus strand (G>A on the coding strand, the complement: RECQL4 is on the minus strand). VCF-style: chr8-144516553-C-T. GRCh37 (hg19) VCF-style: chr8-145741937-C-T.
Other names: short protein forms G189D.
Identifiers: ClinVar variation 1426343 (VCV001426343.6), dbSNP rs1564808143, ClinGen allele CA372691011.

ClinVar aggregate classification (germline): Uncertain significance (1 of 4 stars; one submission).

Conditions:
Baller-Gerold syndrome (BGS). Also called: CRANIOSYNOSTOSIS WITH RADIAL DEFECTS. Identifiers: Orphanet 1225, MedGen C0265308, MONDO:0009039, OMIM 218600.

gnomAD v4.1: 1 of 1,609,944 alleles (0.000062%); no homozygotes.

Submission:

Labcorp Genetics (formerly Invitae), Labcorp
Classification: Uncertain significance for Baller-Gerold syndrome. Last evaluated: 2021-04-05. Review status: criteria provided, single submitter. Criteria: Invitae Variant Classification Sherloc (09022015). Collection method: clinical testing. Allele origin: germline.
Comment: In summary, the available evidence is currently insufficient to determine the role of this variant in disease. Therefore, it has been classified as a Variant of Uncertain Significance. Experimental studies and prediction algorithms are not available or were not evaluated, and the functional significance of this variant is currently unknown. This variant has not been reported in the literature in individuals with RECQL4-related conditions. This variant is not present in population databases (ExAC no frequency). This sequence change replaces glycine with aspartic acid at codon 189 of the RECQL4 protein (p.Gly189Asp). The glycine residue is moderately conserved and there is a moderate physicochemical difference between glycine and aspartic acid.